The following is an entry in ClinVar:

NM_024422.6(DSC2):c.1889A>T (p.Asp630Val)

Gene: DSC2 (desmocollin 2; minus strand). Cytogenetic location: 18q12.1.
Variant type: single nucleotide variant.
Coding change: c.1889A>T on transcript NM_024422.6 (MANE Select); coding-DNA position 1889, A replaced by T.
Protein change: p.Asp630Val; replaces aspartic acid 630 with valine.
Molecular consequence: missense variant.
Genome position (GRCh38, 1-based): chr18:31,071,841, T>A on the plus strand (A>T on the coding strand, the complement: DSC2 is on the minus strand). VCF-style: chr18-31071841-T-A. GRCh37 (hg19) VCF-style: chr18-28651807-T-A.
Other names: c.1460A>T, p.Asp487Val (NM_001406506.1, NM_001406507.1); c.1889A>T, p.Asp630Val (NM_004949.5); short protein forms D630V, D487V.
Identifiers: ClinVar variation 1996035 (VCV001996035.4), dbSNP rs1986847586, ClinGen allele CA402113540.

ClinVar aggregate classification (germline): Uncertain significance (1 of 4 stars; one submission).

Conditions:
Arrhythmogenic right ventricular dysplasia 11. Also called: Arrhythmogenic Right Ventricular Dysplasia/Cardiomyopathy11; ARRHYTHMOGENIC RIGHT VENTRICULAR DYSPLASIA, FAMILIAL, 11; Arrhythmogenic right ventricular dysplasia 11 with mild palmoplantar keratoderma and woolly hair. Identifiers: MedGen C1864850, MONDO:0012506, OMIM 610476.

Allele frequency attached by ClinVar (database versions not stated): TOPMed below 0.00001; gnomAD exomes below 0.00001.
gnomAD v4.1: 1 of 1,609,850 alleles (0.000062%); highest among the groups gnomAD compares: Non-Finnish European, 0.000085%; no homozygotes.

Submission:

Labcorp Genetics (formerly Invitae), Labcorp
Classification: Uncertain significance for Arrhythmogenic right ventricular dysplasia 11. Last evaluated: 2025-09-10. Review status: criteria provided, single submitter. Criteria: Invitae Variant Classification Sherloc (09022015). Collection method: clinical testing. Allele origin: germline.
Comment: This sequence change replaces aspartic acid, which is acidic and polar, with valine, which is neutral and non-polar, at codon 630 of the DSC2 protein (p.Asp630Val). This variant is not present in population databases (gnomAD no frequency). This variant has not been reported in the literature in individuals affected with DSC2-related conditions. ClinVar contains an entry for this variant (Variation ID: 1996035). An algorithm developed to predict the effect of missense changes on protein structure and function (PolyPhen-2) suggests that this variant is likely to be disruptive. In summary, the available evidence is currently insufficient to determine the role of this variant in disease. Therefore, it has been classified as a Variant of Uncertain Significance.